The following is an entry in ClinVar:

NM_000492.4(CFTR):c.2993del (p.Leu998fs)

Genes: CFTR (CF transmembrane conductance regulator; plus strand), CFTR-AS2 (CFTR antisense RNA 2; minus strand), LOC111674472 (DNase I hypersensitive sites in introns 16 and 17a of CFTR; plus strand). Cytogenetic location: 7q31.2.
Variant type: Deletion.
Coding change: c.2993del on transcript NM_000492.4 (MANE Select); coding-DNA position 2993, one base deleted (T; older notation c.2993delT).
Protein change: p.Leu998fs; shifts the reading frame from leucine 998.
Molecular consequence: frameshift variant.
Genome position (GRCh38, 1-based): chr7:117,610,523, T deleted; the last of 2 consecutive T bases (chr7:117,610,522-117,610,523); deleting either gives the same sequence. VCF-style (leftmost placement, unchanged base first): chr7-117610521-GT-G. GRCh37 (hg19) VCF-style: chr7-117250575-GT-G.
Other names: c.2993delT (NM_000492.3, NM_000492.4); short protein forms L998fs.
Identifiers: ClinVar variation 370341 (VCV000370341.8), dbSNP rs1057516415, ClinGen allele CA16041135.

ClinVar aggregate classification (germline): Pathogenic/Likely pathogenic. Review status: criteria provided, multiple submitters, no conflicts (2 of 4 stars). 5 submissions from 5 submitters: Pathogenic (3); Likely pathogenic (1). 1 of the submissions does not count toward it. Last evaluated 2026-01-30.

Conditions:
CFTR-related disorder (CFTR-RD). Also called: CFTR-related condition; CFTR-related disorders. Identifiers: MedGen C5924204, MONDO:7770004.
Bronchiectasis with or without elevated sweat chloride 1 (BESC1). Also called: Cystic Fibrosis-Like Syndrome. Identifiers: Orphanet 60033, MedGen C2749757, MONDO:0008887, OMIM 211400.
Cystic fibrosis (CF). Also called: MUCOVISCIDOSIS. Identifiers: Orphanet 586, MedGen C0010674, MONDO:0009061, OMIM 219700. Disease mechanism: loss of function.

Submissions (5):

Ambry Genetics
Classification: Pathogenic for Cystic fibrosis. Last evaluated: 2026-01-30. Review status: criteria provided, single submitter. Criteria: Ambry Variant Classification Scheme 2023. Collection method: clinical testing. Allele origin: germline.
Comment: The c.2993delT pathogenic mutation, located in coding exon 19 of the CFTR gene, results from a deletion of one nucleotide at nucleotide position 2993, causing a translational frameshift with a predicted alternate stop codon (p.L998Yfs*2). This variant is considered to be rare based on population cohorts in the Genome Aggregation Database (gnomAD). This alteration is expected to result in loss of function by premature protein truncation or nonsense-mediated mRNA decay. As such, this alteration is interpreted as a disease-causing mutation.

Natera, Inc.
Classification: Likely pathogenic for CFTR-related disorders. Last evaluated: 2026-01-06. Review status: criteria provided, single submitter. Criteria: Natera Variant Classification Schema (03/2026). Collection method: clinical testing. Allele origin: germline.
Comment: The c.2993delT variant in CFTR is a frameshift variant predicted to shift the reading frame beginning at codon 998 and leads to a stop codon 2 codons downstream. This variant is expected to result in nonsense mediated decay, truncation, or a dysfunctional protein product. This variant is rare in the general population with a frequency below the threshold expected for the associated phenotype(s). Given the available evidence, this variant is classified as Likely Pathogenic.

Women's Health and Genetics/Laboratory Corporation of America, LabCorp
Classification: Pathogenic for Cystic fibrosis. Last evaluated: 2024-07-05. Review status: criteria provided, single submitter. Criteria: LabCorp Variant Classification Summary - May 2015. Collection method: clinical testing. Allele origin: germline.
Comment: Variant summary: CFTR c.2993delT (p.Leu998TyrfsX2) results in a premature termination codon, predicted to cause a truncation of the encoded protein or absence of the protein due to nonsense mediated decay, which are commonly known mechanisms for disease. The variant was absent in 251082 control chromosomes. To our knowledge, no occurrence of c.2993delT in individuals affected with Cystic Fibrosis and no experimental evidence demonstrating its impact on protein function have been reported. ClinVar contains an entry for this variant (Variation ID: 370341). Based on the evidence outlined above, the variant was classified as pathogenic.

Baylor Genetics
Classification: Pathogenic for Bronchiectasis with or without elevated sweat chloride 1. Last evaluated: 2023-07-22. Review status: criteria provided, single submitter. Criteria: ACMG Guidelines, 2015. Collection method: clinical testing. Allele origin: unknown.

Counsyl
Classification: Likely pathogenic for Cystic fibrosis. Last evaluated: 2016-01-18. Review status: no assertion criteria provided. Collection method: clinical testing. Allele origin: unknown. Not counted in ClinVar's aggregate classification.